The following is an entry in ClinVar:

ClinVar aggregate classification (germline): Uncertain significance (1 of 4 stars; one submission).

Submission:

GeneDx
Classification: Uncertain significance. Last evaluated: 2022-01-06. Review status: criteria provided, single submitter. Criteria: GeneDx Variant Classification Process June 2021. Collection method: clinical testing. Allele origin: germline. Affected: yes.
Comment: Not observed at significant frequency in large population cohorts (gnomAD); In silico analysis supports that this missense variant has a deleterious effect on protein structure/function; Has not been previously published as pathogenic or benign to our knowledge

NM_007059.4(KPTN):c.643C>T (p.Arg215Cys)

Gene: KPTN (kaptin, actin binding protein; minus strand). Cytogenetic location: 19q13.32.
Variant type: single nucleotide variant.
Coding change: c.643C>T on transcript NM_007059.4 (MANE Select); coding-DNA position 643, C replaced by T.
Protein change: p.Arg215Cys; replaces arginine 215 with cysteine.
Molecular consequence: missense variant. On other transcripts: non-coding transcript variant (1).
Genome position (GRCh38, 1-based): chr19:47,480,364, G>A on the plus strand (C>T on the coding strand, the complement: KPTN is on the minus strand). VCF-style: chr19-47480364-G-A. GRCh37 (hg19) VCF-style: chr19-47983621-G-A.
Other names: c.475C>T, p.Arg159Cys (NM_001291296.2); short protein forms R159C, R215C.
Identifiers: ClinVar variation 1695610 (VCV001695610.2), dbSNP rs1175302337, ClinGen allele CA406603566.